The following is an entry in ClinVar:

ClinVar aggregate classification (germline): Conflicting classifications of pathogenicity. Review status: criteria provided, conflicting classifications (1 of 4 stars). 2 submissions from 2 submitters: Uncertain significance (1); Likely benign (1). Last evaluated 2026-09-01.

gnomAD v4.1: 14 of 1,551,234 alleles (0.0009%); highest among the groups gnomAD compares: Admixed American, 0.0059%; no homozygotes.

Submissions (2):

CeGaT Center for Human Genetics Tuebingen
Classification: Likely benign. Last evaluated: 2026-09-01. Review status: criteria provided, single submitter. Criteria: CeGaT Center For Human Genetics Tuebingen Variant Classification Criteria Version 2. Collection method: clinical testing. Allele origin: germline. Affected: yes. Observed: 1 variant allele.
Comment: GREB1L: BP4

Labcorp Genetics (formerly Invitae), Labcorp
Classification: Uncertain significance. Last evaluated: 2026-01-22. Review status: criteria provided, single submitter. Criteria: Invitae Variant Classification Sherloc (09022015). Collection method: clinical testing. Allele origin: germline.
Comment: This sequence change replaces glutamic acid, which is acidic and polar, with lysine, which is basic and polar, at codon 858 of the GREB1L protein (p.Glu858Lys). This variant is present in population databases (no rsID available, gnomAD 0.01%). This variant has not been reported in the literature in individuals affected with GREB1L-related conditions. An algorithm developed to predict the effect of missense changes on protein structure and function outputs the following: PolyPhen-2: "Benign". The lysine amino acid residue is found in multiple mammalian species, which suggests that this missense change does not adversely affect protein function. In summary, the available evidence is currently insufficient to determine the role of this variant in disease. Therefore, it has been classified as a Variant of Uncertain Significance.

NM_001142966.3(GREB1L):c.2572G>A (p.Glu858Lys)

Gene: GREB1L (GREB1 like retinoic acid receptor coactivator; plus strand). Cytogenetic location: 18q11.1.
Variant type: single nucleotide variant.
Coding change: c.2572G>A on transcript NM_001142966.3 (MANE Select); coding-DNA position 2572, G replaced by A.
Protein change: p.Glu858Lys; replaces glutamic acid 858 with lysine.
Molecular consequence: missense variant.
Genome position (GRCh38, 1-based): chr18:21,485,635, G>A. VCF-style: chr18-21485635-G-A. GRCh37 (hg19) VCF-style: chr18-19065596-G-A.
Other names: c.2701G>A, p.Glu901Lys (NM_001410867.1); c.2245G>A, p.Glu749Lys (NM_001410868.1); short protein forms E858K, E901K, E749K.
Identifiers: ClinVar variation 4752307 (VCV004752307.2).